The following is an entry in ClinVar:

ClinVar aggregate classification (germline): Uncertain significance. Review status: criteria provided, multiple submitters, no conflicts (2 of 4 stars). 3 submissions from 3 submitters: Uncertain significance (3). Last evaluated 2025-03-04.

Conditions:
Granulomatous disease, chronic, X-linked. Also called: GRANULOMATOUS DISEASE, CHRONIC, X-LINKED, SOMATIC MOSAIC; CYTOCHROME b-NEGATIVE GRANULOMATOUS DISEASE, CHRONIC, X-LINKED. Identifiers: Orphanet 379, MedGen C1844376, MONDO:0010600, OMIM 306400.

Allele frequency attached by ClinVar (database versions not stated): ExAC 0.00001; gnomAD 0.00001; TOPMed 0.00001.

Submissions (3):

Center for Genomic Medicine, Rigshospitalet, Copenhagen University Hospital
Classification: Uncertain significance. Last evaluated: 2025-03-04. Review status: criteria provided, single submitter. Criteria: ACMG Guidelines, 2015. Collection method: clinical testing. Allele origin: germline.

Genomic Medicine Center of Excellence, King Faisal Specialist Hospital and Research Centre
Classification: Uncertain significance for Granulomatous disease, chronic, X-linked. Last evaluated: 2024-12-19. Review status: criteria provided, single submitter. Criteria: ACMG Guidelines, 2015. Collection method: clinical testing. Allele origin: germline.

3billion
Classification: Uncertain significance for Granulomatous disease, chronic, X-linked. Last evaluated: 2024-02-29. Review status: criteria provided, single submitter. Criteria: ACMG Guidelines, 2015. Collection method: clinical testing. Allele origin: germline. Affected: yes.
Comment: The variant is observed at an extremely low frequency in the gnomAD v2.1.1 dataset (total allele frequency: <0.001%). Predicted Consequence/Location: Missense variant In silico tool predictions suggest damaging effect of the variant on gene or gene product [REVEL: 0.92 (>=0.6, sensitivity 0.68 and specificity 0.92); 3Cnet: 0.72 (>=0.6, sensitivity 0.72 and precision 0.9)]. Therefore, this variant is classified as VUS according to the recommendation of ACMG/AMP guideline.

Literature cited by the submitters: PubMed 18774749 (cited by Center for Genomic Medicine, Rigshospitalet, Copenhagen University Hospital); PubMed 37533075 (cited by Center for Genomic Medicine, Rigshospitalet, Copenhagen University Hospital).

NM_000397.4(CYBB):c.860G>A (p.Arg287Gln)

Gene: CYBB (cytochrome b-245 beta chain; plus strand). Cytogenetic location: Xp11.4.
Variant type: single nucleotide variant.
Coding change: c.860G>A on transcript NM_000397.4 (MANE Select); coding-DNA position 860, G replaced by A.
Protein change: p.Arg287Gln; replaces arginine 287 with glutamine.
Molecular consequence: missense variant.
Genome position (GRCh38, 1-based): chrX:37,801,311, G>A. VCF-style: chrX-37801311-G-A. GRCh37 (hg19) VCF-style: chrX-37660564-G-A.
Other names: short protein forms R287Q.
Identifiers: ClinVar variation 2691903 (VCV002691903.4), dbSNP rs782402308, ClinGen allele CA10383806.